The following is an entry in ClinVar:

ClinVar aggregate classification (germline): Likely pathogenic (1 of 4 stars; one submission).

Conditions:
Neurodevelopmental disorder with cerebellar atrophy and motor dysfunction. Identifiers: MedGen C5543427, MONDO:0859152, OMIM 619333.

Submission:

Juno Genomics, Hangzhou Juno Genomics, Inc
Classification: Likely pathogenic for Neurodevelopmental disorder with cerebellar atrophy and motor dysfunction. Review status: criteria provided, single submitter. Criteria: ACMG Guidelines, 2015. Collection method: clinical testing. Allele origin: germline.
Comment: Null variant in a gene where loss of function (LOF) is a known mechanism of disease.;Absent from controls (or at extremely low frequency if recessive) in Genome Aggregation Database.

NM_015465.5(GEMIN5):c.661+1G>A

Gene: GEMIN5 (gem nuclear organelle associated protein 5; minus strand). Cytogenetic location: 5q33.2.
Variant type: single nucleotide variant.
Coding change: c.661+1G>A on transcript NM_015465.5 (MANE Select); the canonical splice donor site of the intron after coding-DNA position 661, G replaced by A.
Molecular consequence: splice donor variant.
Genome position (GRCh38, 1-based): chr5:154,932,098, C>T on the plus strand (G>A on the coding strand, the complement: GEMIN5 is on the minus strand). VCF-style: chr5-154932098-C-T. GRCh37 (hg19) VCF-style: chr5-154311658-C-T.
Other names: c.661+1G>A (NM_001252156.2).
Identifiers: ClinVar variation 5006863 (VCV005006863.2).